The following is an entry in ClinVar:

NM_001080476.3(GRXCR1):c.331T>C (p.Tyr111His)

Gene: GRXCR1 (glutaredoxin and cysteine rich domain containing 1; plus strand). Cytogenetic location: 4p13.
Variant type: single nucleotide variant.
Coding change: c.331T>C on transcript NM_001080476.3 (MANE Select); coding-DNA position 331, T replaced by C.
Protein change: p.Tyr111His; replaces tyrosine 111 with histidine.
Molecular consequence: missense variant.
Genome position (GRCh38, 1-based): chr4:42,893,597, T>C. VCF-style: chr4-42893597-T-C. GRCh37 (hg19) VCF-style: chr4-42895614-T-C.
Other names: short protein forms Y111H.
Identifiers: ClinVar variation 348818 (VCV000348818.17), dbSNP rs201002003, ClinGen allele CA2904362.

ClinVar aggregate classification (germline): Uncertain significance. Review status: criteria provided, multiple submitters, no conflicts (2 of 4 stars). 6 submissions from 6 submitters: Uncertain significance (6). Last evaluated 2026-08-19.

Conditions:
Autosomal recessive nonsyndromic hearing loss 25. Identifiers: Orphanet 90636, MedGen C1414017, MONDO:0013210, OMIM 613285.

Allele frequency attached by ClinVar (database versions not stated): gnomAD exomes 0.00012 and 0.00026; ExAC 0.00014; gnomAD 0.00016 and 0.00017; TOPMed 0.00018; ESP Exome Variant Server 0.00025.
gnomAD v4.1: 405 of 1,613,570 alleles (0.025%); highest among the groups gnomAD compares: Non-Finnish European, 0.032%; 1 homozygote.

Submissions (6):

GeneDx
Classification: Uncertain significance. Last evaluated: 2026-08-19. Review status: criteria provided, single submitter. Criteria: GeneDx Variant Classification Process June 2021. Collection method: clinical testing. Allele origin: germline.
Comment: In silico analysis suggests that this missense variant does not alter protein structure/function; Has not been previously published as pathogenic or benign to our knowledge

Blueprint Genetics
Classification: Uncertain significance. Last evaluated: 2024-03-19. Review status: criteria provided, single submitter. Criteria: ACMG Guidelines, 2015. Collection method: clinical testing. Allele origin: germline.

Labcorp Genetics (formerly Invitae), Labcorp
Classification: Uncertain significance. Last evaluated: 2022-08-19. Review status: criteria provided, single submitter. Criteria: Invitae Variant Classification Sherloc (09022015). Collection method: clinical testing. Allele origin: germline.
Comment: This sequence change replaces tyrosine, which is neutral and polar, with histidine, which is basic and polar, at codon 111 of the GRXCR1 protein (p.Tyr111His). This variant is present in population databases (rs201002003, gnomAD 0.02%). This variant has not been reported in the literature in individuals affected with GRXCR1-related conditions. ClinVar contains an entry for this variant (Variation ID: 348818). Algorithms developed to predict the effect of missense changes on protein structure and function (SIFT, PolyPhen-2, Align-GVGD) all suggest that this variant is likely to be tolerated. In summary, the available evidence is currently insufficient to determine the role of this variant in disease. Therefore, it has been classified as a Variant of Uncertain Significance.

Eurofins Ntd Llc (ga)
Classification: Uncertain significance. Last evaluated: 2018-09-06. Review status: criteria provided, single submitter. Criteria: EGL ClinVar v180209 classification definitions. Collection method: clinical testing. Allele origin: germline. Observed: 1 variant allele, 1 heterozygote.

Illumina Laboratory Services, Illumina
Classification: Uncertain significance for Autosomal recessive nonsyndromic hearing loss 25. Last evaluated: 2018-01-13. Review status: criteria provided, single submitter. Criteria: ICSL Variant Classification Criteria 13 December 2019. Collection method: clinical testing. Allele origin: germline.

Laboratory for Molecular Medicine, Mass General Brigham Personalized Medicine
Classification: Uncertain significance. Last evaluated: 2017-06-18. Review status: criteria provided, single submitter. Criteria: LMM Criteria. Collection method: clinical testing. Allele origin: germline. Observed: 1 variant allele.
Comment: Variant classified as Uncertain Significance - Favor Benign. The p.Tyr111His var iant in GRXCR1 has not been previously reported in individuals with hearing loss . It has been identified in 27/125910 European chromosomes by the genome Aggrega tion Database (gnomAD; dbSNP rs201002003); ho wever this frequency is not high enough to rule out a pathogenic role. The varia nt has also been reported in ClinVar (Variation ID: 348818). The Tyrosine (Tyr) at position 111 is conserved through mammals, but is not highly conserved in evo lutionary distant species with >30 species carry a Histidine (His) at this posit ion, raising the supporting that this change at this position may be tolerated. Additional computational prediction tools suggest the variant may not impact the protein. In summary, while the clinical significance of the p.Tyr111His variant is uncertain, these data suggest that it is more likely to be benign.